The following is an entry in ClinVar:

ClinVar aggregate classification (germline): Pathogenic (1 of 4 stars; one submission).

Submission:

Labcorp Genetics (formerly Invitae), Labcorp
Classification: Pathogenic. Last evaluated: 2022-02-04. Review status: criteria provided, single submitter. Criteria: Invitae Variant Classification Sherloc (09022015). Collection method: clinical testing. Allele origin: germline.
Comment: For these reasons, this variant has been classified as Pathogenic. This variant disrupts the C-terminus of the RP1 protein. Many variants that disrupt this region have been reported in individuals with either autosomal dominant or autosomal recessive retinitis pigmentosa (PMID: 11527933, 19933189, 29425069, 30027431). Therefore, variants that disrupt this region are expected to be disease-causing. A similar copy number variant has been observed in individual(s) with autosomal recessive retinitis pigmentosa (Invitae). In at least one individual the data is consistent with being in trans (on the opposite chromosome) from a pathogenic variant. This variant is a gross deletion of the genomic region encompassing exon(s) 4 of the RP1 gene, which includes the termination codon. This deletion extends beyond the assayed region for this gene and therefore may encompass additional genes. While this deletion is not anticipated to lead to nonsense mediated decay, it is expected to alter mRNA translation or result in a truncated protein product.

Literature cited by the submitters: PubMed 11527933; PubMed 19933189; PubMed 29425069; PubMed 30027431.

NC_000008.10:g.(?_55537210)_(55542913_?)del

Gene: RP1 (RP1 axonemal microtubule associated; plus strand). Cytogenetic location: 8q12.1.
Variant type: Deletion.
Identifiers: ClinVar variation 2425554 (VCV002425554.4).